The following is an entry in ClinVar:

NM_006267.5(RANBP2):c.1596G>A (p.Trp532Ter)

Gene: RANBP2 (RAN binding protein 2; plus strand). Cytogenetic location: 2q13.
Variant type: single nucleotide variant.
Coding change: c.1596G>A on transcript NM_006267.5 (MANE Select); coding-DNA position 1596, G replaced by A.
Protein change: p.Trp532Ter; replaces tryptophan 532 with a stop codon.
Molecular consequence: nonsense.
Genome position (GRCh38, 1-based): chr2:108,751,668, G>A. VCF-style: chr2-108751668-G-A. GRCh37 (hg19) VCF-style: chr2-109368124-G-A.
Other names: c.1596G>A, p.Trp532Ter (NM_001415871.1, NM_001415873.1); c.1593G>A, p.Trp531Ter (NM_001415872.1); short protein forms W531*, W532*.
Identifiers: ClinVar variation 3900801 (VCV003900801.1).

ClinVar aggregate classification (germline): Uncertain significance (1 of 4 stars; one submission).

Submission:

GeneDx
Classification: Uncertain significance. Last evaluated: 2024-11-27. Review status: criteria provided, single submitter. Criteria: GeneDx Variant Classification Process June 2021. Collection method: clinical testing. Allele origin: germline. Affected: yes.
Comment: Not observed at significant frequency in large population cohorts (gnomAD); Nonsense variant predicted to result in protein truncation or nonsense mediated decay in a gene or region of a gene for which loss of function is not a well-established mechanism of disease; Has not been previously published as pathogenic or benign to our knowledge